The following is an entry in ClinVar:

ClinVar aggregate classification (germline): Uncertain significance. Review status: criteria provided, multiple submitters, no conflicts (2 of 4 stars). 3 submissions from 3 submitters: Uncertain significance (3). Last evaluated 2025-06-07.

Conditions:
Inborn genetic diseases. Identifiers: MedGen C0950123, MeSH D030342.

Allele frequency attached by ClinVar (database versions not stated): TOPMed 0.00003; gnomAD 0.00004 and 0.00005; ExAC 0.00013; gnomAD exomes 0.00015.
gnomAD v4.1: 46 of 1,613,600 alleles (0.0029%); highest among the groups gnomAD compares: Admixed American, 0.068%; no homozygotes.

Submissions (3):

Ambry Genetics
Classification: Uncertain significance for Inborn genetic diseases. Last evaluated: 2025-06-07. Review status: criteria provided, single submitter. Criteria: Ambry Variant Classification Scheme 2023. Collection method: clinical testing. Allele origin: germline.

GeneDx
Classification: Uncertain significance. Last evaluated: 2024-04-22. Review status: criteria provided, single submitter. Criteria: GeneDx Variant Classification Process June 2021. Collection method: clinical testing. Allele origin: germline. Affected: yes.
Comment: In silico analysis indicates that this missense variant does not alter protein structure/function; Has not been previously published as pathogenic or benign to our knowledge

Labcorp Genetics (formerly Invitae), Labcorp
Classification: Uncertain significance. Last evaluated: 2022-08-31. Review status: criteria provided, single submitter. Criteria: Invitae Variant Classification Sherloc (09022015). Collection method: clinical testing. Allele origin: germline.
Comment: This sequence change replaces lysine, which is basic and polar, with arginine, which is basic and polar, at codon 1962 of the DOCK6 protein (p.Lys1962Arg). This variant is present in population databases (rs767666683, gnomAD 0.1%). This variant has not been reported in the literature in individuals affected with DOCK6-related conditions. ClinVar contains an entry for this variant (Variation ID: 1386958). Algorithms developed to predict the effect of missense changes on protein structure and function (SIFT, PolyPhen-2, Align-GVGD) all suggest that this variant is likely to be tolerated. In summary, the available evidence is currently insufficient to determine the role of this variant in disease. Therefore, it has been classified as a Variant of Uncertain Significance.

NM_020812.4(DOCK6):c.5885A>G (p.Lys1962Arg)

Gene: DOCK6 (dedicator of cytokinesis 6; minus strand). Cytogenetic location: 19p13.2.
Variant type: single nucleotide variant.
Coding change: c.5885A>G on transcript NM_020812.4 (MANE Select); coding-DNA position 5885, A replaced by G.
Protein change: p.Lys1962Arg; replaces lysine 1962 with arginine.
Molecular consequence: missense variant.
Genome position (GRCh38, 1-based): chr19:11,200,770, T>C on the plus strand (A>G on the coding strand, the complement: DOCK6 is on the minus strand). VCF-style: chr19-11200770-T-C. GRCh37 (hg19) VCF-style: chr19-11311446-T-C.
Other names: c.5990A>G, p.Lys1997Arg (NM_001367830.1); c.5885A>G (NM_020812.2, NM_020812.3); short protein forms K1962R, K1997R.
Identifiers: ClinVar variation 1386958 (VCV001386958.6), dbSNP rs767666683, ClinGen allele CA9206310.
Genomic context (GRCh38, chr19:11,200,770, plus strand): 5'-GCCTACTTCTTGCAGAAGTCCTTGAAGCAGAGCCGCAATTTGTTGTGATGCCGGAAGAGC[T>C]TGGGGTCTTCCGGGATCTCTGCTAAAAACACCTGGGCCACCTCCAGGGGACCCTGTGGGG-3'
Protein context (NP_065863.2, residues 1952-1972): VFLAEIPEDP[Lys1962Arg]LFRHHNKLRL